The following is an entry in ClinVar:

ClinVar aggregate classification (germline): Uncertain significance (1 of 4 stars; one submission).

Conditions:
Short-rib thoracic dysplasia 8 with or without polydactyly (SRTD8). Also called: SHORT-RIB THORACIC DYSPLASIA 8 WITH POLYDACTYLY. Identifiers: Orphanet 93271, MedGen C3809691, MONDO:0014214, OMIM 615503.

gnomAD v4.1: 1 of 1,612,598 alleles (0.000062%); no homozygotes.

Submission:

Labcorp Genetics (formerly Invitae), Labcorp
Classification: Uncertain significance for Short-rib thoracic dysplasia 8 with or without polydactyly. Last evaluated: 2022-01-26. Review status: criteria provided, single submitter. Criteria: Invitae Variant Classification Sherloc (09022015). Collection method: clinical testing. Allele origin: germline.
Comment: In summary, the available evidence is currently insufficient to determine the role of this variant in disease. Therefore, it has been classified as a Variant of Uncertain Significance. Algorithms developed to predict the effect of missense changes on protein structure and function are either unavailable or do not agree on the potential impact of this missense change (SIFT: "Deleterious"; PolyPhen-2: "Probably Damaging"; Align-GVGD: "Class C0"). This variant has not been reported in the literature in individuals affected with WDR60-related conditions. This variant is not present in population databases (gnomAD no frequency). This sequence change replaces arginine, which is basic and polar, with methionine, which is neutral and non-polar, at codon 234 of the WDR60 protein (p.Arg234Met).

NM_018051.5(DYNC2I1):c.701G>T (p.Arg234Met)

Gene: DYNC2I1 (dynein 2 intermediate chain 1; plus strand). Cytogenetic location: 7q36.3.
Variant type: single nucleotide variant.
Coding change: c.701G>T on transcript NM_018051.5 (MANE Select); coding-DNA position 701, G replaced by T.
Protein change: p.Arg234Met; replaces arginine 234 with methionine.
Molecular consequence: missense variant. On other transcripts: 5 prime UTR variant (3).
Genome position (GRCh38, 1-based): chr7:158,879,811, G>T. VCF-style: chr7-158879811-G-T. GRCh37 (hg19) VCF-style: chr7-158672502-G-T.
Other names: c.563G>T, p.Arg188Met (NM_001350914.2); c.184G>T, p.Gly62Trp (NM_001350915.2); c.-658G>T (NM_001350916.2); c.-666G>T (NM_001350917.2); c.-785G>T (NM_001350918.2); short protein forms G62W, R234M, R188M.
Identifiers: ClinVar variation 2089701 (VCV002089701.4), dbSNP rs1401918305, ClinGen allele CA370180337.